The following is an entry in ClinVar:

NM_000361.3(THBD):c.75G>A (p.Pro25=)

Gene: THBD (thrombomodulin; minus strand). Cytogenetic location: 20p11.21.
Variant type: single nucleotide variant.
Coding change: c.75G>A on transcript NM_000361.3 (MANE Select); coding-DNA position 75, G replaced by A.
Protein change: p.Pro25=; no amino-acid change (proline 25 retained).
Molecular consequence: synonymous variant.
Genome position (GRCh38, 1-based): chr20:23,049,430, C>T on the plus strand (G>A on the coding strand, the complement: THBD is on the minus strand). VCF-style: chr20-23049430-C-T. GRCh37 (hg19) VCF-style: chr20-23030067-C-T.
Identifiers: ClinVar variation 3614271 (VCV003614271.2).

ClinVar aggregate classification (germline): Uncertain significance (1 of 4 stars; one submission).

Submission:

Labcorp Genetics (formerly Invitae), Labcorp
Classification: Uncertain significance. Last evaluated: 2024-09-04. Review status: criteria provided, single submitter. Criteria: Invitae Variant Classification Sherloc (09022015). Collection method: clinical testing. Allele origin: germline.
Comment: This sequence change affects codon 25 of the THBD mRNA. It is a 'silent' change, meaning that it does not change the encoded amino acid sequence of the THBD protein. This variant is not present in population databases (gnomAD no frequency). This variant has not been reported in the literature in individuals affected with THBD-related conditions. In summary, the available evidence is currently insufficient to determine the role of this variant in disease. Therefore, it has been classified as a Variant of Uncertain Significance.